The following is an entry in ClinVar:

ClinVar aggregate classification (germline): Conflicting classifications of pathogenicity. Review status: criteria provided, conflicting classifications (1 of 4 stars). 2 submissions from 2 submitters: Uncertain significance (1); Likely benign (1). Last evaluated 2022-06-07.

Conditions:
Hereditary cancer-predisposing syndrome. Also called: Tumor predisposition; Neoplastic Syndromes, Hereditary; Hereditary Cancer Syndrome; Hereditary neoplastic syndrome. Identifiers: Orphanet 140162, MedGen C0027672, MeSH D009386, MONDO:0015356.
Peutz-Jeghers syndrome (PJS). Also called: POLYPOSIS, HAMARTOMATOUS INTESTINAL; POLYPS-AND-SPOTS SYNDROME; Peutz-Jeghers polyposis; Periorificial lentiginosis syndrome. Identifiers: Orphanet 2869, MedGen C0031269, MeSH D010580, MONDO:0008280, OMIM 175200.

Submissions (3):

Labcorp Genetics (formerly Invitae), Labcorp
Classification: Uncertain significance for Peutz-Jeghers syndrome. Last evaluated: 2022-06-07. Review status: criteria provided, single submitter. Criteria: Invitae Variant Classification Sherloc (09022015). Collection method: clinical testing. Allele origin: germline.
Comment: This sequence change affects codon 430 of the STK11 mRNA. It is a 'silent' change, meaning that it does not change the encoded amino acid sequence of the STK11 protein. In summary, the available evidence is currently insufficient to determine the role of this variant in disease. Therefore, it has been classified as a Variant of Uncertain Significance. Algorithms developed to predict the effect of sequence changes on RNA splicing suggest that this variant may create or strengthen a splice site. ClinVar contains an entry for this variant (Variation ID: 184420). This variant has not been reported in the literature in individuals affected with STK11-related conditions. This variant is not present in population databases (gnomAD no frequency).

Ambry Genetics
Classification: Likely benign for Hereditary cancer-predisposing syndrome. Last evaluated: 2014-12-26. Review status: criteria provided, single submitter. Criteria: Ambry Variant Classification Scheme 2023. Collection method: clinical testing. Allele origin: germline.

Dr. Peter K. Rogan Lab, Western University
No classification provided (evidence only). Condition: Gastric cancer. Review status: no classification provided. Collection method: in vitro. Allele origin: not applicable. Functional consequence: retained intron. Not counted in ClinVar's aggregate classification.

NM_000455.5(STK11):c.1290C>T (p.Cys430=)

Gene: STK11 (serine/threonine kinase 11; plus strand). Cytogenetic location: 19p13.3.
Variant type: single nucleotide variant.
Coding change: c.1290C>T on transcript NM_000455.5 (MANE Select); coding-DNA position 1290, C replaced by T.
Protein change: p.Cys430=; no amino-acid change (cysteine 430 retained).
Molecular consequence: synonymous variant.
Genome position (GRCh38, 1-based): chr19:1,226,635, C>T. VCF-style: chr19-1226635-C-T. GRCh37 (hg19) VCF-style: chr19-1226634-C-T.
Identifiers: ClinVar variation 184420 (VCV000184420.14), dbSNP rs786201451, ClinGen allele CA022619.